The following is an entry in ClinVar:

ClinVar aggregate classification (germline): Uncertain significance. Review status: criteria provided, multiple submitters, no conflicts (2 of 4 stars). 2 submissions from 2 submitters: Uncertain significance (2). Last evaluated 2026-02-01.

Conditions:
Dilated cardiomyopathy 1AA (CMD1AA). Also called: CARDIOMYOPATHY, DILATED, 1AA, WITH OR WITHOUT LEFT VENTRICULAR NONCOMPACTION; CARDIOMYOPATHY, FAMILIAL HYPERTROPHIC, 23, WITH OR WITHOUT LEFT VENTRICULAR NONCOMPACTION; Cardiomyopathy, dilated, 1AA, with or without LVNC. Identifiers: Orphanet 154, MedGen C2677338, MONDO:0012808, OMIM 612158.
Primary familial hypertrophic cardiomyopathy (HCM). Identifiers: Orphanet 99739, MedGen C0949658, MeSH D024741, MONDO:0024573. Inheritance: Various modes of inheritance.

Allele frequency attached by ClinVar (database versions not stated): TOPMed below 0.00001; gnomAD exomes 0.00001; gnomAD 0.00002.
gnomAD v4.1: 13 of 1,613,666 alleles (0.00081%); highest among the groups gnomAD compares: East Asian, 0.0045%; no homozygotes.

Submissions (2):

Labcorp Genetics (formerly Invitae), Labcorp
Classification: Uncertain significance for Primary familial hypertrophic cardiomyopathy; Dilated cardiomyopathy 1AA. Last evaluated: 2026-02-01. Review status: criteria provided, single submitter. Criteria: Invitae Variant Classification Sherloc (09022015). Collection method: clinical testing. Allele origin: germline.
Comment: This sequence change replaces arginine, which is basic and polar, with cysteine, which is neutral and slightly polar, at codon 298 of the ACTN2 protein (p.Arg298Cys). This variant is present in population databases (no rsID available, gnomAD 0.01%). This variant has not been reported in the literature in individuals affected with ACTN2-related conditions. ClinVar contains an entry for this variant (Variation ID: 412267). Invitae Evidence Modeling of protein sequence and biophysical properties (such as structural, functional, and spatial information, amino acid conservation, physicochemical variation, residue mobility, and thermodynamic stability) indicates that this missense variant is not expected to disrupt ACTN2 protein function with a negative predictive value of 80%. In summary, the available evidence is currently insufficient to determine the role of this variant in disease. Therefore, it has been classified as a Variant of Uncertain Significance.

Women's Health and Genetics/Laboratory Corporation of America, LabCorp
Classification: Uncertain significance. Last evaluated: 2019-01-21. Review status: criteria provided, single submitter. Criteria: LabCorp Variant Classification Summary - May 2015. Collection method: clinical testing. Allele origin: germline.
Comment: Variant summary: ACTN2 c.892C>T (p.Arg298Cys) results in a non-conservative amino acid change located in the Spectrin repeat (IPR002017) domain of the encoded protein sequence. Five of five in-silico tools predict a damaging effect of the variant on protein function. The variant allele was found at a frequency of 1.2e-05 in 246158 control chromosomes. The available data on variant occurrences in the general population are insufficient to allow any conclusion about variant significance. To our knowledge, no occurrence of c.892C>T in individuals affected with Cardiomyopathy and no experimental evidence demonstrating its impact on protein function have been reported. One clinical diagnostic laboratory has submitted clinical-significance assessments for this variant to ClinVar after 2014 without evidence for independent evaluation. One laboratory classified the variant as uncertain significance. Based on the evidence outlined above, the variant was classified as uncertain significance.

NM_001103.4(ACTN2):c.892C>T (p.Arg298Cys)

Gene: ACTN2 (actinin alpha 2; plus strand). Cytogenetic location: 1q43.
Variant type: single nucleotide variant.
Coding change: c.892C>T on transcript NM_001103.4 (MANE Select); coding-DNA position 892, C replaced by T.
Protein change: p.Arg298Cys; replaces arginine 298 with cysteine.
Molecular consequence: missense variant.
Genome position (GRCh38, 1-based): chr1:236,739,317, C>T. VCF-style: chr1-236739317-C-T. GRCh37 (hg19) VCF-style: chr1-236902617-C-T.
Other names: c.892C>T, p.Arg298Cys (NM_001278343.2); c.268C>T, p.Arg90Cys (NM_001278344.2); short protein forms R298C, R90C.
Identifiers: ClinVar variation 412267 (VCV000412267.8), dbSNP rs1060503683, ClinGen allele CA16609993.